The following is an entry in ClinVar:

ClinVar aggregate classification (germline): Benign/Likely benign. Review status: criteria provided, multiple submitters, no conflicts (2 of 4 stars). 8 submissions from 8 submitters: Benign (7); Likely benign (1). Last evaluated 2026-02-01.

Conditions:
Hereditary spastic paraplegia 48. Also called: SPASTIC PARAPLEGIA 48, AUTOSOMAL RECESSIVE; Spastic paraplegia 48. Identifiers: Orphanet 306511, MedGen C3150901, MONDO:0013342, OMIM 613647.
Hereditary spastic paraplegia. Also called: Familial spastic paraparesis. Identifiers: Orphanet 685, MedGen C0037773, MONDO:0019064. Disease mechanism: loss of function.

Allele frequency attached by ClinVar (database versions not stated): 1000 Genomes Project 0.01238; 1000 Genomes Project 30x 0.01312; gnomAD 0.01561 and 0.01590; TOPMed 0.01724; ESP Exome Variant Server 0.01739; gnomAD exomes 0.01805 and 0.02112; ExAC 0.04108.
gnomAD v4.1: 32,637 of 1,574,254 alleles (2.1%); highest among the groups gnomAD compares: Middle Eastern, 4.9%; 434 homozygotes.

Submissions (8):

Labcorp Genetics (formerly Invitae), Labcorp
Classification: Benign for Hereditary spastic paraplegia 48. Last evaluated: 2026-02-01. Review status: criteria provided, single submitter. Criteria: Invitae Variant Classification Sherloc (09022015). Collection method: clinical testing. Allele origin: germline.

Blueprint Genetics
Classification: Likely benign. Last evaluated: 2024-11-26. Review status: criteria provided, single submitter. Criteria: ACMG Guidelines, 2015. Collection method: clinical testing. Allele origin: germline.

Athena Diagnostics
Classification: Benign. Last evaluated: 2024-02-20. Review status: criteria provided, single submitter. Criteria: Athena Diagnostics Criteria. Collection method: clinical testing. Allele origin: unknown.

Genome Diagnostics Laboratory, The Hospital for Sick Children
Classification: Benign for Hereditary spastic paraplegia. Last evaluated: 2021-10-09. Review status: criteria provided, single submitter. Criteria: ACMG Guidelines, 2015. Collection method: clinical testing. Allele origin: germline. Affected: yes.

GeneDx
Classification: Benign. Last evaluated: 2019-08-19. Review status: criteria provided, single submitter. Criteria: GeneDx Variant Classification Process June 2021. Collection method: clinical testing. Allele origin: germline. Affected: yes.

Mayo Clinic Laboratories, Mayo Clinic
Classification: Benign. Last evaluated: 2019-05-29. Review status: criteria provided, single submitter. Criteria: ACMG Guidelines, 2015. Collection method: clinical testing. Allele origin: germline. Observed: 60 variant alleles.

Illumina Laboratory Services, Illumina
Classification: Benign for Hereditary spastic paraplegia 48. Last evaluated: 2018-01-12. Review status: criteria provided, single submitter. Criteria: ICSL Variant Classification Criteria 13 December 2019. Collection method: clinical testing. Allele origin: germline.
Comment: This variant was observed in the ICSL laboratory as part of a predisposition screen in an ostensibly healthy population. It had not been previously curated by ICSL or reported in the Human Gene Mutation Database (HGMD: prior to June 1st, 2018), and was therefore a candidate for classification through an automated scoring system. Utilizing variant allele frequency, disease prevalence and penetrance estimates, and inheritance mode, an automated score was calculated to assess if this variant is too frequent to cause the disease. Based on the score and internal cut-off values, a variant classified as benign is not then subjected to further curation. The score for this variant resulted in a classification of benign for this disease.

Laboratory for Molecular Medicine, Mass General Brigham Personalized Medicine
Classification: Benign. Last evaluated: 2016-03-29. Review status: criteria provided, single submitter. Criteria: LMM Criteria. Collection method: clinical testing. Allele origin: germline.
Comment: Variant identified in a genome or exome case(s) and assessed due to predicted null impact of the variant or pathogenic assertions in the literature or databases. Disclaimer: This variant has not undergone full assessment. The following are preliminary notes: Frequency

Literature cited by the submitters: PubMed 25333062 (cited by Athena Diagnostics).

NM_014855.3(AP5Z1):c.1529G>A (p.Arg510Gln)

Gene: AP5Z1 (adaptor related protein complex 5 subunit zeta 1; plus strand). Cytogenetic location: 7p22.1.
Variant type: single nucleotide variant.
Coding change: c.1529G>A on transcript NM_014855.3 (MANE Select); coding-DNA position 1529, G replaced by A.
Protein change: p.Arg510Gln; replaces arginine 510 with glutamine.
Molecular consequence: missense variant. On other transcripts: non-coding transcript variant (1).
Genome position (GRCh38, 1-based): chr7:4,788,228, G>A. VCF-style: chr7-4788228-G-A. GRCh37 (hg19) VCF-style: chr7-4827859-G-A.
Other names: c.1061G>A, p.Arg354Gln (NM_001364858.1); short protein forms R510Q, R354Q.
Identifiers: ClinVar variation 240935 (VCV000240935.25), dbSNP rs77890266, ClinGen allele CA4137855.
Genomic context (GRCh38, chr7:4,788,228, plus strand): 5'-CATCCGAGAGGCCACTCTGGGACACCTCTCTCAGGGCCCCCAGCTGCCTGGAGGCCTTCC[G>A]GGACCCGCAGTTCCAGGGTCTTTTCCAATACCTGCTGCGCCCCAAGGCCAGTGGCGCCAC-3'
Protein context (NP_055670.1, residues 500-520): LRAPSCLEAF[Arg510Gln]DPQFQGLFQY